The following is an entry in ClinVar:

ClinVar aggregate classification (germline): Uncertain significance (1 of 4 stars; one submission).

Conditions:
Early-onset Lafora body disease. Also called: Epilepsy, progressive myoclonic, 10. Identifiers: Orphanet 324290, MedGen C4225258, MONDO:0014717, OMIM 616640.

Submission:

Labcorp Genetics (formerly Invitae), Labcorp
Classification: Uncertain significance for Early-onset Lafora body disease. Last evaluated: 2019-10-13. Review status: criteria provided, single submitter. Criteria: Invitae Variant Classification Sherloc (09022015). Collection method: clinical testing. Allele origin: germline.
Comment: In summary, the available evidence is currently insufficient to determine the role of this variant in disease. Therefore, it has been classified as a Variant of Uncertain Significance. This variant has not been reported in the literature in individuals with PRDM8-related conditions. Algorithms developed to predict the effect of missense changes on protein structure and function are either unavailable or do not agree on the potential impact of this missense change (SIFT: "Deleterious"; PolyPhen-2: "Probably Damaging"; Align-GVGD: "Class C0"). This sequence change replaces asparagine with serine at codon 625 of the PRDM8 protein (p.Asn625Ser). The asparagine residue is highly conserved and there is a small physicochemical difference between asparagine and serine. This variant is not present in population databases (ExAC no frequency).

NM_001099403.2(PRDM8):c.1874A>G (p.Asn625Ser)

Gene: PRDM8 (PR/SET domain 8; plus strand). Cytogenetic location: 4q21.21.
Variant type: single nucleotide variant.
Coding change: c.1874A>G on transcript NM_001099403.2 (MANE Select); coding-DNA position 1874, A replaced by G.
Protein change: p.Asn625Ser; replaces asparagine 625 with serine.
Molecular consequence: missense variant.
Genome position (GRCh38, 1-based): chr4:80,203,336, A>G. VCF-style: chr4-80203336-A-G. GRCh37 (hg19) VCF-style: chr4-81124490-A-G.
Other names: c.1874A>G, p.Asn625Ser (NM_020226.4); short protein forms N625S.
Identifiers: ClinVar variation 942942 (VCV000942942.9), dbSNP rs1738732855, ClinGen allele CA357403151.